The following is an entry in ClinVar:

NM_194248.3(OTOF):c.1549C>G (p.Leu517Val)

Gene: OTOF (otoferlin; minus strand). Cytogenetic location: 2p23.3.
Variant type: single nucleotide variant.
Coding change: c.1549C>G on transcript NM_194248.3 (MANE Select); coding-DNA position 1549, C replaced by G.
Protein change: p.Leu517Val; replaces leucine 517 with valine.
Molecular consequence: missense variant.
Genome position (GRCh38, 1-based): chr2:26,482,436, G>C on the plus strand (C>G on the coding strand, the complement: OTOF is on the minus strand). VCF-style: chr2-26482436-G-C. GRCh37 (hg19) VCF-style: chr2-26705304-G-C.
Other names: c.1549C>G, p.Leu517Val (NM_001287489.2); short protein forms L517V.
Identifiers: ClinVar variation 5008372 (VCV005008372.1).
Genomic context (GRCh38, chr2:26,482,436, plus strand): 5'-CCCCAGCACACCGGGTCTCCCGCTGCTGACCTTTGTCTCCGTCATTAGAAATCTTGCGCA[G>C]GTCAATGAAGTGGGTGCCGATGGCCACGTCGTTGACCTTGTCCGAGTCTCGGATCTGCAC-3'
Protein context (NP_919224.1, residues 507-527): DVAIGTHFID[Leu517Val]RKISNDGDKG

ClinVar aggregate classification (germline): Uncertain significance (1 of 4 stars; one submission).

gnomAD v4.1: 4 of 1,613,250 alleles (0.00025%); highest among the groups gnomAD compares: African/African-American, 0.0027%; no homozygotes.

Submission:

GeneDx
Classification: Uncertain significance. Last evaluated: 2026-03-05. Review status: criteria provided, single submitter. Criteria: GeneDx Variant Classification Process June 2021. Collection method: clinical testing. Allele origin: germline.
Comment: Not observed at significant frequency in large population cohorts (gnomAD); In silico analysis supports that this missense variant has a deleterious effect on protein structure/function; Has not been previously published as pathogenic or benign to our knowledge